The following is an entry in ClinVar:

NM_001114753.3(ENG):c.1026G>T (p.Gln342His)

Gene: ENG (endoglin; minus strand). Cytogenetic location: 9q34.11.
Variant type: single nucleotide variant.
Coding change: c.1026G>T on transcript NM_001114753.3 (MANE Select); coding-DNA position 1026, G replaced by T.
Protein change: p.Gln342His; replaces glutamine 342 with histidine.
Molecular consequence: missense variant.
Genome position (GRCh38, 1-based): chr9:127,824,412, C>A on the plus strand (G>T on the coding strand, the complement: ENG is on the minus strand). VCF-style: chr9-127824412-C-A. GRCh37 (hg19) VCF-style: chr9-130586691-C-A.
Other names: c.1026G>T, p.Gln342His (NM_000118.4, NM_001406715.1); c.480G>T, p.Gln160His (NM_001278138.2); short protein forms Q160H, Q342H.
Identifiers: ClinVar variation 1024698 (VCV001024698.10), dbSNP rs1830551216, ClinGen allele CA374981698.
Genomic context (GRCh38, chr9:127,824,412, plus strand): 5'-CTTTGTCTGGATCAAGGACATGAGCAGCTCCGGGCTACAAGTGTCCTTGGGAGGAGTGGT[C>A]TGGATCGGTGCGGGTGAGGTCTGCAGCCTACCACCTGTGGGGTAGCAGAGGCAGGCCAGG-3'
Protein context (NP_001108225.1, residues 332-352): GRLQTSPAPI[Gln342His]TTPPKDTCSP

ClinVar aggregate classification (germline): Uncertain significance (1 of 4 stars; one submission).

Conditions:
Hereditary hemorrhagic telangiectasia (HHT). Also called: Osler hemorrhagic telangiectasia syndrome; ORW DISEASE; Osler Weber Rendu syndrome; OSLER-RENDU-WEBER DISEASE. Identifiers: Orphanet 774, MedGen C0039445, MONDO:0019180. Disease mechanism: loss of function.

Submission:

Labcorp Genetics (formerly Invitae), Labcorp
Classification: Uncertain significance for Hereditary hemorrhagic telangiectasia. Last evaluated: 2024-12-02. Review status: criteria provided, single submitter. Criteria: Invitae Variant Classification Sherloc (09022015). Collection method: clinical testing. Allele origin: germline.
Comment: This sequence change replaces glutamine, which is neutral and polar, with histidine, which is basic and polar, at codon 342 of the ENG protein (p.Gln342His). This variant is not present in population databases (gnomAD no frequency). This variant has not been reported in the literature in individuals affected with ENG-related conditions. ClinVar contains an entry for this variant (Variation ID: 1024698). Invitae Evidence Modeling of protein sequence and biophysical properties (such as structural, functional, and spatial information, amino acid conservation, physicochemical variation, residue mobility, and thermodynamic stability) indicates that this missense variant is not expected to disrupt ENG protein function with a negative predictive value of 95%. In summary, the available evidence is currently insufficient to determine the role of this variant in disease. Therefore, it has been classified as a Variant of Uncertain Significance.